The following is an entry in ClinVar:

NM_033004.4(NLRP1):c.164C>T (p.Ser55Leu)

Gene: NLRP1 (NLR family pyrin domain containing 1; minus strand). Cytogenetic location: 17p13.2.
Variant type: single nucleotide variant.
Coding change: c.164C>T on transcript NM_033004.4 (MANE Select); coding-DNA position 164, C replaced by T.
Protein change: p.Ser55Leu; replaces serine 55 with leucine.
Molecular consequence: missense variant.
Genome position (GRCh38, 1-based): chr17:5,583,794, G>A on the plus strand (C>T on the coding strand, the complement: NLRP1 is on the minus strand). VCF-style: chr17-5583794-G-A. GRCh37 (hg19) VCF-style: chr17-5487114-G-A.
Other names: c.164C>T, p.Ser55Leu (NM_001033053.3, NM_014922.5, NM_033006.4 and 1 more transcripts); short protein forms S55L.
Identifiers: ClinVar variation 1366760 (VCV001366760.9), dbSNP rs201750573, ClinGen allele CA8327641.

ClinVar aggregate classification (germline): Uncertain significance. Review status: criteria provided, multiple submitters, no conflicts (2 of 4 stars). 2 submissions from 2 submitters: Uncertain significance (2). Last evaluated 2025-08-25.

Conditions:
Corneal intraepithelial dyskeratosis-palmoplantar hyperkeratosis-laryngeal dyskeratosis syndrome. Also called: Palmoplantar carcinoma, multiple self-healing. Identifiers: Orphanet 352662, MedGen C3808876, MONDO:0014089, OMIM 615225.
Vitiligo-associated multiple autoimmune disease susceptibility 1 (VAMAS1). Also called: SYSTEMIC LUPUS ERYTHEMATOSUS, VITILIGO-RELATED. Identifiers: Orphanet 247871, MedGen C1847835, MONDO:0011684, OMIM 606579.
Autoinflammation with arthritis and dyskeratosis (AIADK). Identifiers: MedGen C4479278, MONDO:0060457, OMIM 617388.
Respiratory papillomatosis, juvenile recurrent, congenital. Identifiers: MedGen C5394112, MONDO:0032925, OMIM 618803.

Allele frequency attached by ClinVar (database versions not stated): gnomAD 0.00002 and 0.00009; gnomAD exomes 0.00003 and 0.00007; TOPMed 0.00012.
gnomAD v4.1: 108 of 1,556,684 alleles (0.0069%); highest among the groups gnomAD compares: Non-Finnish European, 0.0076%; no homozygotes.

Submissions (2):

Labcorp Genetics (formerly Invitae), Labcorp
Classification: Uncertain significance. Last evaluated: 2025-08-25. Review status: criteria provided, single submitter. Criteria: Invitae Variant Classification Sherloc (09022015). Collection method: clinical testing. Allele origin: germline.
Comment: This sequence change replaces serine, which is neutral and polar, with leucine, which is neutral and non-polar, at codon 55 of the NLRP1 protein (p.Ser55Leu). This variant is present in population databases (rs201750573, gnomAD 0.01%). This variant has not been reported in the literature in individuals affected with NLRP1-related conditions. ClinVar contains an entry for this variant (Variation ID: 1366760). An algorithm developed to predict the effect of missense changes on protein structure and function outputs the following: PolyPhen-2: "Possibly Damaging". The leucine amino acid residue is found in multiple mammalian species, which suggests that this missense change does not adversely affect protein function. Experimental studies have shown that this missense change does not substantially affect NLRP1 function (PMID: 27662089). In summary, the available evidence is currently insufficient to determine the role of this variant in disease. Therefore, it has been classified as a Variant of Uncertain Significance.

Fulgent Genetics
Classification: Uncertain significance for Vitiligo-associated multiple autoimmune disease susceptibility 1; Corneal intraepithelial dyskeratosis-palmoplantar hyperkeratosis-laryngeal dyskeratosis syndrome; Autoinflammation with arthritis and dyskeratosis; Respiratory papillomatosis, juvenile recurrent, congenital. Last evaluated: 2022-04-08. Review status: criteria provided, single submitter. Criteria: ACMG Guidelines, 2015. Collection method: clinical testing. Allele origin: unknown.

Literature cited by the submitters: PubMed 27662089 (cited by Labcorp Genetics (formerly Invitae), Labcorp).